The following is an entry in ClinVar:

NM_138413.4(HOGA1):c.*711G>A

Genes: HOGA1 (4-hydroxy-2-oxoglutarate aldolase 1; plus strand), LOC130004476 (ATAC-STARR-seq lymphoblastoid active region 3853; plus strand). Cytogenetic location: 10q24.2.
Variant type: single nucleotide variant.
Coding change: c.*711G>A on transcript NM_138413.4 (MANE Select); 711 bases downstream of the stop codon, G replaced by A.
Molecular consequence: 3 prime UTR variant.
Genome position (GRCh38, 1-based): chr10:97,612,370, G>A. VCF-style: chr10-97612370-G-A. GRCh37 (hg19) VCF-style: chr10-99372127-G-A.
Other names: c.*711G>A (NM_001134670.2).
Identifiers: ClinVar variation 301821 (VCV000301821.6), dbSNP rs11189295, ClinGen allele CA10637036.

ClinVar aggregate classification (germline): Benign. Review status: criteria provided, multiple submitters, no conflicts (2 of 4 stars). 2 submissions from 2 submitters: Benign (2). Last evaluated 2018-01-13.

Conditions:
Primary hyperoxaluria type 3. Also called: PH III. Identifiers: Orphanet 416, Orphanet 93600, MedGen C3150878, MONDO:0013327, OMIM 613616. Disease mechanism: loss of function.

Allele frequency attached by ClinVar (database versions not stated): gnomAD exomes 0.30882; 1000 Genomes Project 0.37979; 1000 Genomes Project 30x 0.38429; gnomAD 0.39734 and 0.40516; TOPMed 0.40765.
gnomAD v4.1: 60,165 of 151,896 alleles (40%); highest among the groups gnomAD compares: African/African-American, 58%; 12,936 homozygotes.

Submissions (2):

Illumina Laboratory Services, Illumina
Classification: Benign for Primary hyperoxaluria type 3. Last evaluated: 2018-01-13. Review status: criteria provided, single submitter. Criteria: ICSL Variant Classification Criteria 13 December 2019. Collection method: clinical testing. Allele origin: germline.
Comment: This variant was observed in the ICSL laboratory as part of a predisposition screen in an ostensibly healthy population. It had not been previously curated by ICSL or reported in the Human Gene Mutation Database (HGMD: prior to June 1st, 2018), and was therefore a candidate for classification through an automated scoring system. Utilizing variant allele frequency, disease prevalence and penetrance estimates, and inheritance mode, an automated score was calculated to assess if this variant is too frequent to cause the disease. Based on the score and internal cut-off values, a variant classified as benign is not then subjected to further curation. The score for this variant resulted in a classification of benign for this disease.

Breakthrough Genomics
Classification: Benign. Review status: criteria provided, single submitter. Criteria: ACMG Guidelines, 2015. Collection method: not provided. Allele origin: germline. Inheritance: Autosomal recessive inheritance. Affected: yes.